The following is an entry in ClinVar:

ClinVar aggregate classification (germline): Conflicting classifications of pathogenicity. Review status: criteria provided, conflicting classifications (1 of 4 stars). 4 submissions from 4 submitters: Uncertain significance (2); Likely benign (1). 1 of the submissions does not count toward it. Last evaluated 2025-09-15.

Conditions:
Duchenne muscular dystrophy (DMD). Also called: Duchenne Muscular Dystrophy (DMD); MUSCULAR DYSTROPHY, PSEUDOHYPERTROPHIC PROGRESSIVE, DUCHENNE TYPE. Identifiers: Orphanet 98896, MedGen C0013264, MONDO:0010679, OMIM 310200.
Dystrophin deficiency.
Becker muscular dystrophy (BMD). Also called: MUSCULAR DYSTROPHY, PSEUDOHYPERTROPHIC PROGRESSIVE, BECKER TYPE; Becker Muscular Dystrophy (BMD). Identifiers: Orphanet 98895, MedGen C0917713, MONDO:0010311, OMIM 300376.
Cardiomyopathy (CMYO). Also called: Cardiomyopathies. Identifiers: Orphanet 167848, MedGen C0878544, MONDO:0004994, HP:0001638. Inheritance: Various modes of inheritance.
Cardiovascular phenotype. Identifiers: MedGen CN230736.

Allele frequency attached by ClinVar (database versions not stated): gnomAD exomes 0.00001; ExAC 0.00002.
gnomAD v4.1: 8 of 1,210,371 alleles (0.00066%); highest among the groups gnomAD compares: South Asian, 0.0088%; no homozygotes.

Submissions (4):

Labcorp Genetics (formerly Invitae), Labcorp
Classification: Likely benign for Duchenne muscular dystrophy. Last evaluated: 2025-09-15. Review status: criteria provided, single submitter. Criteria: Invitae Variant Classification Sherloc (09022015). Collection method: clinical testing. Allele origin: germline.

Revvity Omics, Revvity
Classification: Uncertain significance. Last evaluated: 2022-09-09. Review status: criteria provided, single submitter. Criteria: ACMG Guidelines, 2015. Collection method: clinical testing. Allele origin: germline.

Ambry Genetics
Classification: Uncertain significance for Cardiovascular phenotype. Last evaluated: 2020-03-17. Review status: criteria provided, single submitter. Criteria: Ambry Variant Classification Scheme 2023. Collection method: clinical testing. Allele origin: germline.
Comment: The p.R1459Q variant (also known as c.4376G>A), located in coding exon 32 of the DMD gene, results from a G to A substitution at nucleotide position 4376. The arginine at codon 1459 is replaced by glutamine, an amino acid with highly similar properties. This amino acid position is highly conserved in available vertebrate species. In addition, this alteration is predicted to be tolerated by in silico analysis. Since supporting evidence is limited at this time, the clinical significance of this alteration remains unclear.

Natera, Inc.
Classification: Uncertain significance for Becker muscular dystrophy; Cardiomyopathy; Duchenne muscular dystrophy; Dystrophin deficiency. Last evaluated: 2019-02-18. Review status: no assertion criteria provided. Collection method: clinical testing. Allele origin: germline. Not counted in ClinVar's aggregate classification.

NM_004006.3(DMD):c.4376G>A (p.Arg1459Gln)

Gene: DMD (dystrophin; minus strand). Cytogenetic location: Xp21.1.
Variant type: single nucleotide variant.
Coding change: c.4376G>A on transcript NM_004006.3 (MANE Select); coding-DNA position 4376, G replaced by A.
Protein change: p.Arg1459Gln; replaces arginine 1459 with glutamine.
Molecular consequence: missense variant.
Genome position (GRCh38, 1-based): chrX:32,389,643, C>T on the plus strand (G>A on the coding strand, the complement: DMD is on the minus strand). VCF-style: chrX-32389643-C-T. GRCh37 (hg19) VCF-style: chrX-32407760-C-T.
Other names: c.4352G>A, p.Arg1451Gln (NM_000109.4); c.4364G>A, p.Arg1455Gln (NM_004009.3); c.4007G>A, p.Arg1336Gln (NM_004010.3); c.353G>A, p.Arg118Gln (NM_004011.4); c.344G>A, p.Arg115Gln (NM_004012.4); short protein forms R118Q, R115Q, R1336Q, R1459Q, R1451Q, R1455Q.
Identifiers: ClinVar variation 842428 (VCV000842428.17), dbSNP rs755835144, ClinGen allele CA10378960.